The following is an entry in ClinVar:

ClinVar aggregate classification (germline): Benign/Likely benign. Review status: criteria provided, multiple submitters, no conflicts (2 of 4 stars). 8 submissions from 8 submitters: Benign (4); Likely benign (1). 3 of the submissions do not count toward it. Last evaluated 2026-02-02.

Conditions:
MHC class II deficiency. Also called: Bare lymphocyte syndrome 2; BLS, TYPE II. Identifiers: Orphanet 572, MedGen C5447452, MONDO:0008855.
RFX5-related disorder. Also called: RFX5-related condition.

Allele frequency attached by ClinVar (database versions not stated): gnomAD exomes 0.00044 and 0.00117; ExAC 0.00130; 1000 Genomes Project 0.00319; 1000 Genomes Project 30x 0.00375; gnomAD 0.00418 and 0.00454; ESP Exome Variant Server 0.00438; TOPMed 0.00502.
gnomAD v4.1: 1,316 of 1,614,070 alleles (0.082%); highest among the groups gnomAD compares: African/African-American, 1.5%; 6 homozygotes.

Submissions (8):

Labcorp Genetics (formerly Invitae), Labcorp
Classification: Benign for MHC class II deficiency. Last evaluated: 2026-02-02. Review status: criteria provided, single submitter. Criteria: Invitae Variant Classification Sherloc (09022015). Collection method: clinical testing. Allele origin: germline.

Blueprint Genetics
Classification: Likely benign. Last evaluated: 2024-11-06. Review status: criteria provided, single submitter. Criteria: ACMG Guidelines, 2015. Collection method: clinical testing. Allele origin: germline.

Genome-Nilou Lab
Classification: Benign for MHC class II deficiency 1. Last evaluated: 2023-04-11. Review status: criteria provided, single submitter. Criteria: ACMG Guidelines, 2015. Collection method: clinical testing. Allele origin: germline. Affected: no.

Illumina Laboratory Services, Illumina
Classification: Benign for MHC class II deficiency 1. Last evaluated: 2018-01-13. Review status: criteria provided, single submitter. Criteria: ICSL Variant Classification Criteria 13 December 2019. Collection method: clinical testing. Allele origin: germline.
Comment: This variant was observed in the ICSL laboratory as part of a predisposition screen in an ostensibly healthy population. It had not been previously curated by ICSL or reported in the Human Gene Mutation Database (HGMD: prior to June 1st, 2018), and was therefore a candidate for classification through an automated scoring system. Utilizing variant allele frequency, disease prevalence and penetrance estimates, and inheritance mode, an automated score was calculated to assess if this variant is too frequent to cause the disease. Based on the score and internal cut-off values, a variant classified as benign is not then subjected to further curation. The score for this variant resulted in a classification of benign for this disease.

Breakthrough Genomics
Classification: Benign. Review status: criteria provided, single submitter. Criteria: ACMG Guidelines, 2015. Collection method: not provided. Allele origin: germline. Inheritance: Autosomal recessive inheritance. Affected: yes.

PreventionGenetics, part of Exact Sciences
Classification: Benign for RFX5-related condition. Last evaluated: 2019-07-11. Review status: no assertion criteria provided. Collection method: clinical testing. Allele origin: germline. Not counted in ClinVar's aggregate classification.
Comment: This variant is classified as benign based on ACMG/AMP sequence variant interpretation guidelines (Richards et al. 2015 PMID: 25741868, with internal and published modifications).

Clinical Genetics DNA and cytogenetics Diagnostics Lab, Erasmus MC, Erasmus Medical Center
Classification: Benign. Review status: no assertion criteria provided. Collection method: clinical testing. Allele origin: germline. Affected: yes. Study: VKGL Data-share Consensus. Not counted in ClinVar's aggregate classification.

Genome Diagnostics Laboratory, University Medical Center Utrecht
Classification: Likely benign. Review status: no assertion criteria provided. Collection method: clinical testing. Allele origin: germline. Affected: yes. Study: VKGL Data-share Consensus. Not counted in ClinVar's aggregate classification.

NM_001025603.2(RFX5):c.1495C>T (p.Pro499Ser)

Gene: RFX5 (regulatory factor X5; minus strand). Cytogenetic location: 1q21.3.
Variant type: single nucleotide variant.
Coding change: c.1495C>T on transcript NM_001025603.2 (MANE Select); coding-DNA position 1495, C replaced by T.
Protein change: p.Pro499Ser; replaces proline 499 with serine.
Molecular consequence: missense variant.
Genome position (GRCh38, 1-based): chr1:151,342,542, G>A on the plus strand (C>T on the coding strand, the complement: RFX5 is on the minus strand). VCF-style: chr1-151342542-G-A. GRCh37 (hg19) VCF-style: chr1-151315018-G-A.
Other names: c.1495C>T, p.Pro499Ser (NM_000449.4, NM_001379412.1, NM_001379413.1 and 5 more transcripts); c.1375C>T, p.Pro459Ser (NM_001379419.1, NM_001379420.1); short protein forms P499S, P459S.
Identifiers: ClinVar variation 292610 (VCV000292610.22), dbSNP rs2233855, ClinGen allele CA1089591.
Genomic context (GRCh38, chr1:151,342,542, plus strand): 5'-CTGGCCTCTCTGCCCCTCCAGCTGAGTTGCCTTCCCCTCCTGAGCCCCATGTCTCCCATG[G>A]TAACCTTGAGGACTGGGCAGATTCCATGGCAGCTGCTGACTTGAGAGGGGTAGAATTCCT-3'
Protein context (NP_001020774.1, residues 489-509): AMESAQSSRL[Pro499Ser]WETWGSGGEG